The following is an entry in ClinVar:

NM_001330260.2(SCN8A):c.2792G>A (p.Arg931Gln)

Gene: SCN8A (sodium voltage-gated channel alpha subunit 8; plus strand). Cytogenetic location: 12q13.13.
Variant type: single nucleotide variant.
Coding change: c.2792G>A on transcript NM_001330260.2 (MANE Select); coding-DNA position 2792, G replaced by A.
Protein change: p.Arg931Gln; replaces arginine 931 with glutamine.
Molecular consequence: missense variant.
Genome position (GRCh38, 1-based): chr12:51,765,918, G>A. VCF-style: chr12-51765918-G-A. GRCh37 (hg19) VCF-style: chr12-52159702-G-A.
Other names: c.2792G>A, p.Arg931Gln (NM_001177984.3, NM_001369788.1, NM_014191.4); short protein forms R931Q.
Identifiers: ClinVar variation 1319789 (VCV001319789.18), dbSNP rs2138862977, ClinGen allele CA384888889.
Genomic context (GRCh38, chr12:51,765,918, plus strand): 5'-ACTGTGAACTCCCTCGCTGGCATATGCATGACTTTTTCCATTCCTTCCTCATTGTCTTTC[G>A]AGTGTTGTGCGGGGAGTGGATTGAGACCATGTGGGACTGCATGGAAGTGGCAGGCCAGGC-3'
Protein context (NP_001317189.1, residues 921-941): DFFHSFLIVF[Arg931Gln]VLCGEWIETM

ClinVar aggregate classification (germline): Likely pathogenic. Review status: criteria provided, multiple submitters, no conflicts (2 of 4 stars). 3 submissions from 3 submitters: Likely pathogenic (3). Last evaluated 2025-07-01.

Conditions:
SCN8A-related disorder.

Allele frequency attached by ClinVar (database versions not stated): gnomAD exomes below 0.00001.
gnomAD v4.1: 1 of 1,614,070 alleles (0.000062%); highest among the groups gnomAD compares: Non-Finnish European, 0.000085%; no homozygotes.

Submissions (3):

CeGaT Center for Human Genetics Tuebingen
Classification: Likely pathogenic. Last evaluated: 2025-07-01. Review status: criteria provided, single submitter. Criteria: CeGaT Center For Human Genetics Tuebingen Variant Classification Criteria Version 2. Collection method: clinical testing. Allele origin: germline. Affected: yes. Observed: 2 variant alleles.
Comment: SCN8A: PM1, PM2, PS4:Moderate, PP2, PP3

Greenwood Genetic Center Diagnostic Laboratories, Greenwood Genetic Center
Classification: Likely pathogenic for SCN8A-related disorder. Last evaluated: 2025-06-30. Review status: criteria provided, single submitter. Criteria: ACMG Guidelines, 2015. Collection method: clinical testing. Allele origin: germline. Affected: yes.
Comment: PS4_Moderate, PM2, PP2, PP3

Institute for Clinical Genetics, University Hospital TU Dresden, University Hospital TU Dresden
Classification: Likely pathogenic. Last evaluated: 2021-11-03. Review status: criteria provided, single submitter. Criteria: ACMG Guidelines, 2015. Collection method: clinical testing. Allele origin: germline.